The following is an entry in ClinVar:

NM_000089.4(COL1A2):c.2781+10A>G

Gene: COL1A2 (collagen type I alpha 2 chain; plus strand). Cytogenetic location: 7q21.3.
Variant type: single nucleotide variant.
Coding change: c.2781+10A>G on transcript NM_000089.4 (MANE Select); 10 bases into the intron after coding-DNA position 2781, A replaced by G.
Molecular consequence: intron variant.
Genome position (GRCh38, 1-based): chr7:94,425,234, A>G. VCF-style: chr7-94425234-A-G. GRCh37 (hg19) VCF-style: chr7-94054546-A-G.
Identifiers: ClinVar variation 508337 (VCV000508337.7), dbSNP rs760431398, ClinGen allele CA4347553.

ClinVar aggregate classification (germline): Likely benign. Review status: criteria provided, multiple submitters, no conflicts (2 of 4 stars). 3 submissions from 3 submitters: Likely benign (3). Last evaluated 2024-09-11.

Conditions:
Osteogenesis imperfecta type I (OI1). Also called: Lobstein's Disease; OI, TYPE I; OSTEOGENESIS IMPERFECTA TARDA; OSTEOGENESIS IMPERFECTA WITH BLUE SCLERAE; Classic Non-deforming Osteogenesis Imperfecta with Blue Sclerae; Lobstein disease. Identifiers: Orphanet 216796, Orphanet 666, MedGen C0023931, MONDO:0008146, OMIM 166200. Disease mechanism: loss of function.
Ehlers-Danlos syndrome, classic type, 1 (EDSCL1). Also called: Ehlers-Danlos syndrome, type 1; EHLERS-DANLOS SYNDROME, GRAVIS TYPE; EHLERS-DANLOS SYNDROME, SEVERE CLASSIC TYPE; Ehlers-Danlos Syndrome, Classic Type, COL5A1-Related; EDS I. Identifiers: MedGen C0268335, MONDO:0019567, OMIM 130000.

Allele frequency attached by ClinVar (database versions not stated): ExAC 0.00001; gnomAD exomes 0.00001; TOPMed 0.00001.
gnomAD v4.1: 14 of 1,609,848 alleles (0.00087%); highest among the groups gnomAD compares: East Asian, 0.0022%; no homozygotes.

Submissions (3):

Blueprint Genetics
Classification: Likely benign. Last evaluated: 2024-09-11. Review status: criteria provided, single submitter. Criteria: ACMG Guidelines, 2015. Collection method: clinical testing. Allele origin: germline.

Labcorp Genetics (formerly Invitae), Labcorp
Classification: Likely benign for Osteogenesis imperfecta type I; Ehlers-Danlos syndrome, classic type, 1. Last evaluated: 2023-06-09. Review status: criteria provided, single submitter. Criteria: Invitae Variant Classification Sherloc (09022015). Collection method: clinical testing. Allele origin: germline.

GeneDx
Classification: Likely benign. Last evaluated: 2017-03-22. Review status: criteria provided, single submitter. Criteria: GeneDx Variant Classification (06012015). Collection method: clinical testing. Allele origin: germline. Affected: yes.
Comment: This variant is considered likely benign or benign based on one or more of the following criteria: it is a conservative change, it occurs at a poorly conserved position in the protein, it is predicted to be benign by multiple in silico algorithms, and/or has population frequency not consistent with disease.